The following is an entry in ClinVar:

NM_000059.4(BRCA2):c.6710A>T (p.Asp2237Val)

Gene: BRCA2 (BRCA2 DNA repair associated; plus strand). Cytogenetic location: 13q13.1.
Variant type: single nucleotide variant.
Coding change: c.6710A>T on transcript NM_000059.4 (MANE Select); coding-DNA position 6710, A replaced by T.
Protein change: p.Asp2237Val; replaces aspartic acid 2237 with valine.
Molecular consequence: missense variant. On other transcripts: non-coding transcript variant (1), intron variant (2).
Genome position (GRCh38, 1-based): chr13:32,341,065, A>T. VCF-style: chr13-32341065-A-T. GRCh37 (hg19) VCF-style: chr13-32915202-A-T.
Other names: c.6710A>T, p.Asp2237Val (NM_001406719.1, NM_001406720.1); c.1910-3493A>T (NM_001406721.1); c.425-3493A>T (NM_001406722.1); short protein forms D2237V.
Identifiers: ClinVar variation 2793103 (VCV002793103.4), dbSNP rs2137530022, ClinGen allele CA387790992.
Genomic context (GRCh38, chr13:32,341,065, plus strand): 5'-AAGATTCAGAAAACTACTTTGAAACAGAAGCAGTAGAAATTGCTAAAGCTTTTATGGAAG[A>T]TGATGAACTGACAGATTCTAAACTGCCAAGTCATGCCACACATTCTCTTTTTACATGTCC-3'
Protein context (NP_000050.3, residues 2227-2247): AVEIAKAFME[Asp2237Val]DELTDSKLPS

ClinVar aggregate classification (germline): Uncertain significance. Review status: criteria provided, multiple submitters, no conflicts (2 of 4 stars). 2 submissions from 2 submitters: Uncertain significance (2). Last evaluated 2026-01-26.

Conditions:
Hereditary breast ovarian cancer syndrome. Also called: Hereditary breast and ovarian cancer syndrome; Hereditary breast and ovarian cancer; Hereditary breast and/or ovarian cancer syndrome; BRCA1- and BRCA2-Associated Hereditary Breast and Ovarian Cancer; Breast and ovarian cancer; Hereditary breast and ovarian cancer syndrome (HBOC). Identifiers: Orphanet 145, MedGen C0677776, MeSH D061325, MONDO:0003582. Disease mechanism: loss of function.
Hereditary cancer-predisposing syndrome. Also called: Tumor predisposition; Neoplastic Syndromes, Hereditary; Hereditary Cancer Syndrome; Hereditary neoplastic syndrome. Identifiers: Orphanet 140162, MedGen C0027672, MeSH D009386, MONDO:0015356.

Submissions (2):

Ambry Genetics
Classification: Uncertain significance for Hereditary cancer-predisposing syndrome. Last evaluated: 2026-01-26. Review status: criteria provided, single submitter. Criteria: Ambry Variant Classification Scheme 2023. Collection method: clinical testing. Allele origin: germline.
Comment: The p.D2237V variant (also known as c.6710A>T), located in coding exon 10 of the BRCA2 gene, results from an A to T substitution at nucleotide position 6710. The aspartic acid at codon 2237 is replaced by valine, an amino acid with highly dissimilar properties. This amino acid position is highly conserved in available vertebrate species. In addition, this alteration is predicted to be deleterious by in silico analysis. Based on the available evidence, the clinical significance of this variant remains unclear.

Labcorp Genetics (formerly Invitae), Labcorp
Classification: Uncertain significance for Hereditary breast ovarian cancer syndrome. Last evaluated: 2024-01-18. Review status: criteria provided, single submitter. Criteria: Invitae Variant Classification Sherloc (09022015). Collection method: clinical testing. Allele origin: germline.
Comment: This sequence change replaces aspartic acid, which is acidic and polar, with valine, which is neutral and non-polar, at codon 2237 of the BRCA2 protein (p.Asp2237Val). This variant is not present in population databases (gnomAD no frequency). This variant has not been reported in the literature in individuals affected with BRCA2-related conditions. Advanced modeling of protein sequence and biophysical properties (such as structural, functional, and spatial information, amino acid conservation, physicochemical variation, residue mobility, and thermodynamic stability) performed at Invitae indicates that this missense variant is not expected to disrupt BRCA2 protein function with a negative predictive value of 95%. In summary, the available evidence is currently insufficient to determine the role of this variant in disease. Therefore, it has been classified as a Variant of Uncertain Significance.